The following is an entry in ClinVar:

ClinVar aggregate classification (germline): Uncertain significance (1 of 4 stars; one submission).

Submission:

GeneDx
Classification: Uncertain significance. Last evaluated: 2026-04-14. Review status: criteria provided, single submitter. Criteria: GeneDx Variant Classification Process June 2021. Collection method: clinical testing. Allele origin: germline.
Comment: Not observed at significant frequency in large population cohorts (gnomAD); In silico analysis suggests that this missense variant does not alter protein structure/function; Has not been previously published as pathogenic or benign to our knowledge

NM_001005273.3(CHD3):c.5962A>G (p.Lys1988Glu)

Gene: CHD3 (chromodomain helicase DNA binding protein 3; plus strand). Cytogenetic location: 17p13.1.
Variant type: single nucleotide variant.
Coding change: c.5962A>G on transcript NM_001005273.3 (MANE Select); coding-DNA position 5962, A replaced by G.
Protein change: p.Lys1988Glu; replaces lysine 1988 with glutamic acid.
Molecular consequence: missense variant.
Genome position (GRCh38, 1-based): chr17:7,911,544, A>G. VCF-style: chr17-7911544-A-G. GRCh37 (hg19) VCF-style: chr17-7814862-A-G.
Other names: c.6139A>G, p.Lys2047Glu (NM_001005271.3); c.6185A>G, p.Glu2062Gly (NM_001437504.1); c.6127A>G, p.Lys2043Glu (NM_001437507.1); c.6025A>G, p.Lys2009Glu (NM_001437508.1); c.6130A>G, p.Lys2044Glu (NM_001437509.1); c.5860A>G, p.Lys1954Glu (NM_005852.4); short protein forms E2062G, K1954E, K1988E, K2009E, K2043E, K2044E, K2047E.
Identifiers: ClinVar variation 5037178 (VCV005037178.1).